The following is an entry in ClinVar:

NM_000388.4(CASR):c.802G>A (p.Val268Met)

Gene: CASR (calcium sensing receptor; plus strand). Cytogenetic location: 3q21.1.
Variant type: single nucleotide variant.
Coding change: c.802G>A on transcript NM_000388.4 (MANE Select); coding-DNA position 802, G replaced by A.
Protein change: p.Val268Met; replaces valine 268 with methionine.
Molecular consequence: missense variant.
Genome position (GRCh38, 1-based): chr3:122,261,837, G>A. VCF-style: chr3-122261837-G-A. GRCh37 (hg19) VCF-style: chr3-121980684-G-A.
Other names: c.802G>A, p.Val268Met (NM_001178065.2); short protein forms V268M.
Identifiers: ClinVar variation 1358389 (VCV001358389.11), dbSNP rs2074627507, ClinGen allele CA354151386.

ClinVar aggregate classification (germline): Uncertain significance. Review status: criteria provided, multiple submitters, no conflicts (2 of 4 stars). 3 submissions from 3 submitters: Uncertain significance (3). Last evaluated 2026-02-15.

Conditions:
Familial hypocalciuric hypercalcemia (FHH). Also called: Familial benign hypercalcemia. Identifiers: Orphanet 405, MedGen C1809471, MONDO:0018458.
Autosomal dominant hypocalcemia 1 (HYPOC1). Also called: HYPOCALCEMIA, FAMILIAL. Identifiers: MedGen C3715128, MONDO:0011013, OMIM 601198.
Nephrolithiasis/nephrocalcinosis. Identifiers: MedGen CN580796.

Allele frequency attached by ClinVar (database versions not stated): TOPMed below 0.00001.
gnomAD v4.1: 3 of 1,614,236 alleles (0.00019%); highest among the groups gnomAD compares: Non-Finnish European, 0.00025%; no homozygotes.

Submissions (3):

Women's Health and Genetics/Laboratory Corporation of America, LabCorp
Classification: Uncertain significance. Last evaluated: 2026-02-15. Review status: criteria provided, single submitter. Criteria: LabCorp Variant Classification Summary - May 2015. Collection method: clinical testing. Allele origin: germline.
Comment: Variant summary: CASR c.802G>A (p.Val268Met) results in a conservative amino acid change in the encoded protein sequence. Algorithms developed to predict the effect of missense changes on protein structure and function are either unavailable or do not agree on the potential impact of this missense change. The variant was absent in 251350 control chromosomes. The available data on variant occurrences in the general population are insufficient to allow any conclusion about variant significance. To our knowledge, no occurrence of c.802G>A in individuals affected with CASR-related conditions and no experimental evidence demonstrating its impact on protein function have been reported. ClinVar contains an entry for this variant (Variation ID: 1358389). Based on the evidence outlined above, the variant was classified as uncertain significance.

Labcorp Genetics (formerly Invitae), Labcorp
Classification: Uncertain significance for Familial hypocalciuric hypercalcemia; Autosomal dominant hypocalcemia 1. Last evaluated: 2023-06-23. Review status: criteria provided, single submitter. Criteria: Invitae Variant Classification Sherloc (09022015). Collection method: clinical testing. Allele origin: germline.
Comment: In summary, the available evidence is currently insufficient to determine the role of this variant in disease. Therefore, it has been classified as a Variant of Uncertain Significance. An algorithm developed to predict the effect of missense changes on protein structure and function (PolyPhen-2) suggests that this variant is likely to be disruptive. ClinVar contains an entry for this variant (Variation ID: 1358389). This variant has not been reported in the literature in individuals affected with CASR-related conditions. This variant is not present in population databases (gnomAD no frequency). This sequence change replaces valine, which is neutral and non-polar, with methionine, which is neutral and non-polar, at codon 268 of the CASR protein (p.Val268Met).

Ambry Genetics
Classification: Uncertain significance for Nephrolithiasis/nephrocalcinosis. Last evaluated: 2021-12-03. Review status: criteria provided, single submitter. Criteria: Ambry Variant Classification Scheme 2023. Collection method: clinical testing. Allele origin: germline.
Comment: The p.V268M variant (also known as c.802G>A), located in coding exon 3 of the CASR gene, results from a G to A substitution at nucleotide position 802. The valine at codon 268 is replaced by methionine, an amino acid with highly similar properties. This amino acid position is highly conserved in available vertebrate species. In addition, this alteration is predicted to be deleterious by in silico analysis. Since supporting evidence is limited at this time, the clinical significance of this alteration remains unclear.